The following is an entry in ClinVar:

NM_006892.4(DNMT3B):c.1252+13T>G

Gene: DNMT3B (DNA methyltransferase 3 beta; plus strand). Cytogenetic location: 20q11.21.
Variant type: single nucleotide variant.
Coding change: c.1252+13T>G on transcript NM_006892.4 (MANE Select); 13 bases into the intron after coding-DNA position 1252, T replaced by G.
Molecular consequence: intron variant.
Genome position (GRCh38, 1-based): chr20:32,795,547, T>G. VCF-style: chr20-32795547-T-G. GRCh37 (hg19) VCF-style: chr20-31383353-T-G.
Other names: c.1192+13T>G (NM_175848.2, NM_175849.2); c.1066+13T>G (NM_001207055.2); c.964+13T>G (NM_001207056.2); c.1228+13T>G (NM_175850.3).
Identifiers: ClinVar variation 338165 (VCV000338165.36), dbSNP rs910085, ClinGen allele CA9810475.
Genomic context (GRCh38, chr20:32,795,547, plus strand): 5'-ATTGCTATAACAACGGCAAAGACCGAGGGGATGAAGATCAGAGCCGAGGTGATTGTTGGG[T>G]ACCTGGGATCATGGGACAGATGGGAGGAGGACGCTGCAGATCAGGAATTGATCTGTACCC-3'

ClinVar aggregate classification (germline): Benign/Likely benign. Review status: criteria provided, multiple submitters, no conflicts (2 of 4 stars). 8 submissions from 8 submitters: Benign (7); Likely benign (1). Last evaluated 2026-02-04.

Conditions:
Centromeric instability of chromosomes 1,9 and 16 and immunodeficiency (ICF1). Also called: IMMUNE DEFICIENCY, VARIABLE, WITH CENTROMERIC INSTABILITY OF CHROMOSOMES 1, 9, AND 16; IMMUNODEFICIENCY SYNDROME, VARIABLE; CENTROMERIC INSTABILITY, IMMUNODEFICIENCY SYNDROME; Immunodeficiency-centromeric instability-facial anomalies. Identifiers: Orphanet 2268, MedGen C0398788, MONDO:0000133.
Immunodeficiency-centromeric instability-facial anomalies syndrome 1 (ICF1). Identifiers: Orphanet 2268, MedGen C4551557, MONDO:0009454, OMIM 242860.

Allele frequency attached by ClinVar (database versions not stated): ESP Exome Variant Server 0.40289; gnomAD exomes 0.42271 and 0.49415; gnomAD 0.42898 and 0.44026; TOPMed 0.45195; ExAC 0.48356; 1000 Genomes Project 30x 0.57636; 1000 Genomes Project 0.58486.
gnomAD v4.1: 685,709 of 1,613,894 alleles (42%); highest among the groups gnomAD compares: East Asian, 91%; 156,057 homozygotes.

Submissions (8):

Labcorp Genetics (formerly Invitae), Labcorp
Classification: Benign for Centromeric instability of chromosomes 1,9 and 16 and immunodeficiency. Last evaluated: 2026-02-04. Review status: criteria provided, single submitter. Criteria: Invitae Variant Classification Sherloc (09022015). Collection method: clinical testing. Allele origin: germline.

ARUP Laboratories, Molecular Genetics and Genomics, ARUP Laboratories
Classification: Benign. Last evaluated: 2025-07-30. Review status: criteria provided, single submitter. Criteria: ARUP Molecular Germline Variant Investigation Process 2024. Collection method: clinical testing. Allele origin: germline.

Blueprint Genetics
Classification: Likely benign. Last evaluated: 2024-11-28. Review status: criteria provided, single submitter. Criteria: ACMG Guidelines, 2015. Collection method: clinical testing. Allele origin: germline.

Genome-Nilou Lab
Classification: Benign for Immunodeficiency-centromeric instability-facial anomalies syndrome 1. Last evaluated: 2021-07-30. Review status: criteria provided, single submitter. Criteria: ACMG Guidelines, 2015. Collection method: clinical testing. Allele origin: germline. Affected: no.

GeneDx
Classification: Benign. Last evaluated: 2018-10-09. Review status: criteria provided, single submitter. Criteria: GeneDx Variant Classification Process June 2021. Collection method: clinical testing. Allele origin: germline. Affected: yes.
Comment: This variant is associated with the following publications: (PMID: 26851945)

Illumina Laboratory Services, Illumina
Classification: Benign for Immunodeficiency-centromeric instability-facial anomalies syndrome 1. Last evaluated: 2018-01-13. Review status: criteria provided, single submitter. Criteria: ICSL Variant Classification Criteria 13 December 2019. Collection method: clinical testing. Allele origin: germline.
Comment: This variant was observed in the ICSL laboratory as part of a predisposition screen in an ostensibly healthy population. It had not been previously curated by ICSL or reported in the Human Gene Mutation Database (HGMD: prior to June 1st, 2018), and was therefore a candidate for classification through an automated scoring system. Utilizing variant allele frequency, disease prevalence and penetrance estimates, and inheritance mode, an automated score was calculated to assess if this variant is too frequent to cause the disease. Based on the score and internal cut-off values, a variant classified as benign is not then subjected to further curation. The score for this variant resulted in a classification of benign for this disease.

Laboratory for Molecular Medicine, Mass General Brigham Personalized Medicine
Classification: Benign. Last evaluated: 2016-03-29. Review status: criteria provided, single submitter. Criteria: LMM Criteria. Collection method: clinical testing. Allele origin: germline.
Comment: Variant identified in a genome or exome case(s) and assessed due to predicted null impact of the variant or pathogenic assertions in the literature or databases. Disclaimer: This variant has not undergone full assessment. The following are preliminary notes: Frequency

Breakthrough Genomics
Classification: Benign. Review status: criteria provided, single submitter. Criteria: ACMG Guidelines, 2015. Collection method: not provided. Allele origin: germline. Inheritance: Autosomal recessive inheritance. Affected: yes.